The following is an entry in ClinVar:

ClinVar aggregate classification (germline): Uncertain significance (1 of 4 stars; one submission).

Submission:

Labcorp Genetics (formerly Invitae), Labcorp
Classification: Uncertain significance. Last evaluated: 2024-11-30. Review status: criteria provided, single submitter. Criteria: Invitae Variant Classification Sherloc (09022015). Collection method: clinical testing. Allele origin: germline.
Comment: This sequence change replaces valine, which is neutral and non-polar, with alanine, which is neutral and non-polar, at codon 754 of the ALPK3 protein (p.Val754Ala). This variant is not present in population databases (gnomAD no frequency). This variant has not been reported in the literature in individuals affected with ALPK3-related conditions. An algorithm developed to predict the effect of missense changes on protein structure and function outputs the following: PolyPhen-2: "Benign". The alanine amino acid residue is found in multiple mammalian species, which suggests that this missense change does not adversely affect protein function. In summary, the available evidence is currently insufficient to determine the role of this variant in disease. Therefore, it has been classified as a Variant of Uncertain Significance.

NM_020778.5(ALPK3):c.1655T>C (p.Val552Ala)

Gene: ALPK3 (alpha kinase 3; plus strand). Cytogenetic location: 15q25.3.
Variant type: single nucleotide variant.
Coding change: c.1655T>C on transcript NM_020778.5 (MANE Select); coding-DNA position 1655, T replaced by C.
Protein change: p.Val552Ala; replaces valine 552 with alanine.
Molecular consequence: missense variant.
Genome position (GRCh38, 1-based): chr15:84,856,393, T>C. VCF-style: chr15-84856393-T-C. GRCh37 (hg19) VCF-style: chr15-85399624-T-C.
Other names: short protein forms V552A.
Identifiers: ClinVar variation 3685678 (VCV003685678.2).